The following is an entry in ClinVar:

NM_000377.3(WAS):c.671A>G (p.Asp224Gly)

Gene: WAS (WASP actin nucleation promoting factor; plus strand). Cytogenetic location: Xp11.23.
Variant type: single nucleotide variant.
Coding change: c.671A>G on transcript NM_000377.3 (MANE Select); coding-DNA position 671, A replaced by G.
Protein change: p.Asp224Gly; replaces aspartic acid 224 with glycine.
Molecular consequence: missense variant.
Genome position (GRCh38, 1-based): chrX:48,686,892, A>G. VCF-style: chrX-48686892-A-G. GRCh37 (hg19) VCF-style: chrX-48545281-A-G.
Other names: short protein forms D224G.
Identifiers: ClinVar variation 2444197 (VCV002444197.2), dbSNP rs2519283290, ClinGen allele CA412870771.

ClinVar aggregate classification (germline): Pathogenic/Likely pathogenic. Review status: criteria provided, multiple submitters, no conflicts (2 of 4 stars). 2 submissions from 2 submitters: Pathogenic (1); Likely pathogenic (1). Last evaluated 2025-12-03.

Conditions:
Wiskott-Aldrich syndrome (WAS). Also called: ALDRICH SYNDROME; IMMUNODEFICIENCY 2; WISKOTT-ALDRICH SYNDROME 1; Wiskott-aldrich syndrome, somatic. Identifiers: Orphanet 906, MedGen C0043194, MONDO:0010518, OMIM 301000.
X-linked severe congenital neutropenia (SCNX). Identifiers: Orphanet 86788, MedGen C1845987, MONDO:0010294, OMIM 300299.
Thrombocytopenia 1. Also called: X-Linked Thrombocytopenia (XLT); THROMBOCYTOPENIA, X-LINKED, 1; X-linked thrombocytopenia with normal platelets. Identifiers: Orphanet 268322, Orphanet 852, MedGen C1839163, MONDO:0010743, OMIM 313900.

Submissions (2):

Labcorp Genetics (formerly Invitae), Labcorp
Classification: Pathogenic for Wiskott-Aldrich syndrome; X-linked severe congenital neutropenia; Thrombocytopenia 1. Last evaluated: 2025-12-03. Review status: criteria provided, single submitter. Criteria: Invitae Variant Classification Sherloc (09022015). Collection method: clinical testing. Allele origin: germline.
Comment: This sequence change replaces aspartic acid, which is acidic and polar, with glycine, which is neutral and non-polar, at codon 224 of the WAS protein (p.Asp224Gly). This variant is not present in population databases (gnomAD no frequency). This missense change has been observed in individuals with Wiskott-Aldrich syndrome (PMID: 21185603, 31354712). ClinVar contains an entry for this variant (Variation ID: 2444197). Invitae Evidence Modeling of protein sequence and biophysical properties (such as structural, functional, and spatial information, amino acid conservation, physicochemical variation, residue mobility, and thermodynamic stability) has been performed for this missense variant. However, the output from this modeling did not meet the statistical confidence thresholds required to predict the impact of this variant on WAS protein function. Algorithms developed to predict the effect of sequence changes on RNA splicing suggest that this variant may disrupt the consensus splice site. For these reasons, this variant has been classified as Pathogenic.

3billion
Classification: Likely pathogenic for Wiskott-Aldrich syndrome. Last evaluated: 2023-02-23. Review status: criteria provided, single submitter. Criteria: ACMG Guidelines, 2015. Collection method: clinical testing. Allele origin: unknown. Affected: yes.
Comment: The variant is not observed in the gnomAD v2.1.1 dataset. In silico tools predict the variant to alter splicing and produce an abnormal transcript (SpliceAI: 0.99). Same nucleotide change resulting in same amino acid change has been previously reported to be associated with WAS related disorder (PMID: 21185603). The variant has been observed in multiple (>3) similarly affected unrelated individuals (PMID: 21185603). Therefore, this variant is classified as Likely pathogenic according to the recommendation of ACMG/AMP guideline.

Literature cited by the submitters: PubMed 21185603 (cited by Labcorp Genetics (formerly Invitae), Labcorp and 3billion); PubMed 31354712 (cited by Labcorp Genetics (formerly Invitae), Labcorp).